The following is an entry in ClinVar:

NM_003334.4(UBA1):c.406G>A (p.Ala136Thr)

Gene: UBA1 (ubiquitin like modifier activating enzyme 1; plus strand). Cytogenetic location: Xp11.3.
Variant type: single nucleotide variant.
Coding change: c.406G>A on transcript NM_003334.4 (MANE Select); coding-DNA position 406, G replaced by A.
Protein change: p.Ala136Thr; replaces alanine 136 with threonine.
Molecular consequence: missense variant.
Genome position (GRCh38, 1-based): chrX:47,199,540, G>A. VCF-style: chrX-47199540-G-A. GRCh37 (hg19) VCF-style: chrX-47058939-G-A.
Other names: c.406G>A, p.Ala136Thr (NM_153280.3); short protein forms A136T.
Identifiers: ClinVar variation 2887412 (VCV002887412.3), dbSNP rs1159180530, ClinGen allele CA412789248.
Genomic context (GRCh38, chrX:47,199,540, plus strand): 5'-TTCTACCTGCGGGAGGAGGACATCGGTAAAAACCGGGCCGAGGTATCACAGCCCCGCCTC[G>A]CTGAGCTCAACAGCTATGTGCCTGTCACTGCCTACACTGGACCCCTCGTTGAGGACTTCC-3'
Protein context (NP_003325.2, residues 126-146): NRAEVSQPRL[Ala136Thr]ELNSYVPVTA

ClinVar aggregate classification (germline): Uncertain significance (1 of 4 stars; one submission).

Conditions:
Infantile-onset X-linked spinal muscular atrophy. Also called: Spinal muscular atrophy, X-linked 2; SPINAL MUSCULAR ATROPHY, X-LINKED LETHAL INFANTILE; Spinal Muscular Atrophy, X-Linked Infantile; ARTHROGRYPOSIS, X-LINKED, TYPE I; AMC, DISTAL, X-LINKED. Identifiers: Orphanet 1145, MedGen C1844934, MONDO:0010532, OMIM 301830.

gnomAD v4.1: 12 of 1,209,772 alleles (0.00099%); highest among the groups gnomAD compares: African/African-American, 0.007%; no homozygotes.

Submission:

Labcorp Genetics (formerly Invitae), Labcorp
Classification: Uncertain significance for Infantile-onset X-linked spinal muscular atrophy. Last evaluated: 2025-05-16. Review status: criteria provided, single submitter. Criteria: Invitae Variant Classification Sherloc (09022015). Collection method: clinical testing. Allele origin: germline.
Comment: This sequence change replaces alanine, which is neutral and non-polar, with threonine, which is neutral and polar, at codon 136 of the UBA1 protein (p.Ala136Thr). This variant is present in population databases (no rsID available, gnomAD 0.006%), including at least one homozygous and/or hemizygous individual. This variant has not been reported in the literature in individuals affected with UBA1-related conditions. ClinVar contains an entry for this variant (Variation ID: 2887412). An algorithm developed to predict the effect of missense changes on protein structure and function (PolyPhen-2) suggests that this variant is likely to be tolerated. In summary, the available evidence is currently insufficient to determine the role of this variant in disease. Therefore, it has been classified as a Variant of Uncertain Significance.